The following is an entry in ClinVar:

ClinVar aggregate classification (germline): Conflicting classifications of pathogenicity. Review status: criteria provided, conflicting classifications (1 of 4 stars). 2 submissions from 2 submitters: Uncertain significance (1); Likely benign (1). Last evaluated 2024-05-20.

Conditions:
Familial focal epilepsy with variable foci (FPEVF). Identifiers: Orphanet 98820, MedGen C1858477, MONDO:0020310.
Inborn genetic diseases. Identifiers: MedGen C0950123, MeSH D030342.

Allele frequency attached by ClinVar (database versions not stated): gnomAD exomes 0.00002 and 0.00003; TOPMed 0.00002; gnomAD 0.00003 and 0.00004; ExAC 0.00006.

Submissions (2):

Ambry Genetics
Classification: Likely benign for Inborn genetic diseases. Last evaluated: 2024-05-20. Review status: criteria provided, single submitter. Criteria: Ambry Variant Classification Scheme 2023. Collection method: clinical testing. Allele origin: germline.

Labcorp Genetics (formerly Invitae), Labcorp
Classification: Uncertain significance for Familial focal epilepsy with variable foci. Last evaluated: 2024-05-06. Review status: criteria provided, single submitter. Criteria: Invitae Variant Classification Sherloc (09022015). Collection method: clinical testing. Allele origin: germline.
Comment: This sequence change replaces methionine, which is neutral and non-polar, with isoleucine, which is neutral and non-polar, at codon 1226 of the DEPDC5 protein (p.Met1226Ile). This variant is present in population databases (rs756692170, gnomAD 0.007%). This variant has not been reported in the literature in individuals affected with DEPDC5-related conditions. ClinVar contains an entry for this variant (Variation ID: 588334). Experimental studies and prediction algorithms are not available or were not evaluated, and the functional significance of this variant is currently unknown. In summary, the available evidence is currently insufficient to determine the role of this variant in disease. Therefore, it has been classified as a Variant of Uncertain Significance.

NM_001242896.3(DEPDC5):c.3678G>A (p.Met1226Ile)

Gene: DEPDC5 (DEP domain containing 5, GATOR1 subcomplex subunit; plus strand). Cytogenetic location: 22q12.3.
Variant type: single nucleotide variant.
Coding change: c.3678G>A on transcript NM_001242896.3 (MANE Select); coding-DNA position 3678, G replaced by A.
Protein change: p.Met1226Ile; replaces methionine 1226 with isoleucine.
Molecular consequence: missense variant. On other transcripts: non-coding transcript variant (4).
Genome position (GRCh38, 1-based): chr22:31,874,387, G>A. VCF-style: chr22-31874387-G-A. GRCh37 (hg19) VCF-style: chr22-32270373-G-A.
Other names: c.3651G>A, p.Met1217Ile (NM_001136029.4); c.3378G>A, p.Met1126Ile (NM_001242897.2); c.3612G>A, p.Met1204Ile (NM_001363852.2, NM_001364320.2); c.3444G>A, p.Met1148Ile (NM_001363854.2, NM_001364319.2); c.3678G>A, p.Met1226Ile (NM_001364318.2); c.3594G>A, p.Met1198Ile (NM_001369901.1, NM_001369902.1); c.3585G>A, p.Met1195Ile (NM_001369903.1, NM_014662.6); short protein forms M1126I, M1226I, M1204I, M1148I, M1195I, M1198I, M1217I.
Identifiers: ClinVar variation 588334 (VCV000588334.12), dbSNP rs756692170, ClinGen allele CA10197057.